The following is an entry in ClinVar:

NM_172240.3(POC1B):c.404G>A (p.Arg135His)

Genes: POC1B (POC1 centriolar protein B; minus strand), POC1B-DUSP6 (POC1B-DUSP6 readthrough; minus strand). Cytogenetic location: 12q21.33.
Variant type: single nucleotide variant.
Coding change: c.404G>A on transcript NM_172240.3 (MANE Select); coding-DNA position 404, G replaced by A.
Protein change: p.Arg135His; replaces arginine 135 with histidine.
Molecular consequence: missense variant. On other transcripts: non-coding transcript variant (2).
Genome position (GRCh38, 1-based): chr12:89,491,984, C>T on the plus strand (G>A on the coding strand, the complement: POC1B is on the minus strand). VCF-style: chr12-89491984-C-T. GRCh37 (hg19) VCF-style: chr12-89885761-C-T.
Other names: c.278G>A, p.Arg93His (NM_001199777.2); short protein forms R93H, R135H.
Identifiers: ClinVar variation 971020 (VCV000971020.7), dbSNP rs149976035, ClinGen allele CA6714525.

ClinVar aggregate classification (germline): Uncertain significance. Review status: criteria provided, single submitter (1 of 4 stars). 2 submissions from 2 submitters: Uncertain significance (1). 1 of the submissions does not count toward it. Last evaluated 2023-08-10.

Conditions:
Retinal dystrophy. Also called: Inherited retinal dystrophy. Identifiers: Orphanet 71862, MedGen C0854723, MeSH D058499, MONDO:0019118, HP:0000556.

Allele frequency attached by ClinVar (database versions not stated): gnomAD 0.00002; ESP Exome Variant Server 0.00008; gnomAD exomes 0.00003; TOPMed 0.00003; ExAC 0.00004.
gnomAD v4.1: 28 of 1,595,586 alleles (0.0018%); highest among the groups gnomAD compares: Middle Eastern, 0.017%; no homozygotes.

Submissions (2):

Labcorp Genetics (formerly Invitae), Labcorp
Classification: Uncertain significance. Last evaluated: 2023-08-10. Review status: criteria provided, single submitter. Criteria: Invitae Variant Classification Sherloc (09022015). Collection method: clinical testing. Allele origin: germline.
Comment: This sequence change replaces arginine, which is basic and polar, with histidine, which is basic and polar, at codon 135 of the POC1B protein (p.Arg135His). This variant is present in population databases (rs149976035, gnomAD 0.007%). This variant has not been reported in the literature in individuals affected with POC1B-related conditions. ClinVar contains an entry for this variant (Variation ID: 971020). Advanced modeling of protein sequence and biophysical properties (such as structural, functional, and spatial information, amino acid conservation, physicochemical variation, residue mobility, and thermodynamic stability) performed at Invitae indicates that this missense variant is not expected to disrupt POC1B protein function. In summary, the available evidence is currently insufficient to determine the role of this variant in disease. Therefore, it has been classified as a Variant of Uncertain Significance.

Institute of Human Genetics, Univ. Regensburg, Univ. Regensburg
Classification: Uncertain significance for Retinal dystrophy. Last evaluated: 2023-01-01. Review status: no assertion criteria provided. Criteria: ACMG Guidelines, 2015. Collection method: clinical testing. Allele origin: germline. Affected: yes. Not counted in ClinVar's aggregate classification.